The following is an entry in ClinVar:

NM_007294.4(BRCA1):c.3826T>G (p.Leu1276Val)

Genes: BRCA1 (BRCA1 DNA repair associated; minus strand), LOC126862571 (BRD4-independent group 4 enhancer GRCh37_chr17:41243136-41244335; plus strand). Cytogenetic location: 17q21.31.
Variant type: single nucleotide variant.
Coding change: c.3826T>G on transcript NM_007294.4 (MANE Select); coding-DNA position 3826, T replaced by G.
Protein change: p.Leu1276Val; replaces leucine 1276 with valine.
Molecular consequence: missense variant. On other transcripts: intron variant (135).
Genome position (GRCh38, 1-based): chr17:43,091,705, A>C on the plus strand (T>G on the coding strand, the complement: BRCA1 is on the minus strand). VCF-style: chr17-43091705-A-C. GRCh37 (hg19) VCF-style: chr17-41243722-A-C.
Other names: c.3685T>G, p.Leu1229Val (NM_001407697.1, NM_001407698.1, NM_001407724.1 and 29 more transcripts); c.3682T>G, p.Leu1228Val (NM_001407740.1, NM_001407741.1, NM_001407742.1 and 20 more transcripts); c.3613T>G, p.Leu1205Val (NM_001407853.1, NM_001407894.1, NM_001407895.1 and 9 more transcripts); c.3826T>G, p.Leu1276Val (NM_001407854.1, NM_001407858.1, NM_001407859.1 and 30 more transcripts); c.3823T>G, p.Leu1275Val (NM_001407860.1, NM_001407861.1, NM_001407587.1 and 22 more transcripts); c.3625T>G, p.Leu1209Val (NM_001407862.1); c.3703T>G, p.Leu1235Val (NM_001407863.1, NM_001407919.1, NM_001407937.1 and 19 more transcripts); c.3622T>G, p.Leu1208Val (NM_001407874.1, NM_001407875.1); and 41 more; short protein forms L1276V, L1229V, L1148V, L1208V, L1209V, L1249V, L1275V, L1205V.
Identifiers: ClinVar variation 506525 (VCV000506525.4), dbSNP rs876659178, ClinGen allele CA10594314.
Genomic context (GRCh38, chr17:43,091,705, plus strand): 5'-ACAAGCTAGCAGAACATTTTGTTTCCTCACTAAGGTGATGTTCCTGAGATGCCTTTGCCA[A>C]TATTACCTGGTTACTGCAGTCATTTAAGCTATTCTTCAATGATAATAAATTCTCCTCTGT-3'
Protein context (NP_009225.1, residues 1266-1286): SLNDCSNQVI[Leu1276Val]AKASQEHHLS

ClinVar aggregate classification (germline): Likely benign. Review status: criteria provided, multiple submitters, no conflicts (2 of 4 stars). 2 submissions from 2 submitters: Likely benign (2). Last evaluated 2023-03-23.

Conditions:
Hereditary cancer-predisposing syndrome. Also called: Hereditary neoplastic syndrome; Hereditary Cancer Syndrome; Neoplastic Syndromes, Hereditary; Tumor predisposition. Identifiers: Orphanet 140162, MedGen C0027672, MeSH D009386, MONDO:0015356.

Submissions (2):

University of Washington Department of Laboratory Medicine, University of Washington
Classification: Likely benign for Hereditary cancer-predisposing syndrome. Last evaluated: 2023-03-23. Review status: criteria provided, single submitter. Criteria: Dines et al. (Genet Med. 2020). Collection method: curation. Allele origin: germline.
Comment: Missense variant in a coldspot region where missense variants are very unlikely to be pathogenic (PMID:31911673).

BRCA1 coldspot (exon 11 using historical exon numbering). Reclassification based on statistical prior probability

GeneDx
Classification: Likely benign. Last evaluated: 2018-03-07. Review status: criteria provided, single submitter. Criteria: GeneDx Variant Classification (06012015). Collection method: clinical testing. Allele origin: germline. Affected: yes.
Comment: This variant is considered likely benign or benign based on one or more of the following criteria: it is a conservative change, it occurs at a poorly conserved position in the protein, it is predicted to be benign by multiple in silico algorithms, and/or has population frequency not consistent with disease.